The following is an entry in ClinVar:

ClinVar aggregate classification (germline): Pathogenic. Review status: criteria provided, single submitter (1 of 4 stars). 2 submissions from 2 submitters: Pathogenic (1). 1 of the submissions does not count toward it. Last evaluated 2024-05-17.

Conditions:
Osteogenesis imperfecta type 8 (OI8). Identifiers: MedGen C1970458, MONDO:0012581, OMIM 610915.

Allele frequency attached by ClinVar (database versions not stated): gnomAD exomes below 0.00001.
gnomAD v4.1: 1 of 1,613,966 alleles (0.000062%); highest among the groups gnomAD compares: South Asian, 0.0011%; no homozygotes.

Submissions (2):

Labcorp Genetics (formerly Invitae), Labcorp
Classification: Pathogenic for Osteogenesis imperfecta type 8. Last evaluated: 2024-05-17. Review status: criteria provided, single submitter. Criteria: Invitae Variant Classification Sherloc (09022015). Collection method: clinical testing. Allele origin: germline.
Comment: This sequence change creates a premature translational stop signal (p.Tyr552*) in the P3H1 gene. It is expected to result in an absent or disrupted protein product. Loss-of-function variants in P3H1 are known to be pathogenic (PMID: 17277775, 18566967, 19088120, 22281939). This variant is not present in population databases (gnomAD no frequency). This premature translational stop signal has been observed in individual(s) with osteogenesis imperfecta (PMID: 17277775). ClinVar contains an entry for this variant (Variation ID: 1256). For these reasons, this variant has been classified as Pathogenic.

OMIM
Classification: Pathogenic for OSTEOGENESIS IMPERFECTA, TYPE VIII. Last evaluated: 2007-03-01. Review status: no assertion criteria provided. Collection method: literature only. Allele origin: germline. Not counted in ClinVar's aggregate classification.

Literature cited by the submitters: PubMed 17277775 (cited by Labcorp Genetics (formerly Invitae), Labcorp and OMIM); PubMed 18566967 (cited by Labcorp Genetics (formerly Invitae), Labcorp); PubMed 19088120 (cited by Labcorp Genetics (formerly Invitae), Labcorp); PubMed 22281939 (cited by Labcorp Genetics (formerly Invitae), Labcorp).

NM_022356.4(P3H1):c.1656C>A (p.Tyr552Ter)

Gene: P3H1 (prolyl 3-hydroxylase 1; minus strand). Cytogenetic location: 1p34.2.
Variant type: single nucleotide variant.
Coding change: c.1656C>A on transcript NM_022356.4 (MANE Select); coding-DNA position 1656, C replaced by A.
Protein change: p.Tyr552Ter; replaces tyrosine 552 with a stop codon.
Molecular consequence: nonsense.
Genome position (GRCh38, 1-based): chr1:42,750,250, G>T on the plus strand (C>A on the coding strand, the complement: P3H1 is on the minus strand). VCF-style: chr1-42750250-G-T. GRCh37 (hg19) VCF-style: chr1-43215921-G-T.
Other names: P3H1, TYR552TER; c.1656C>A, p.Tyr552Ter (NM_001146289.2, NM_001243246.2); short protein forms Y552*.
Identifiers: ClinVar variation 1256 (VCV000001256.3), dbSNP rs72659355, ClinGen allele CA114880.